The following is an entry in ClinVar:

NM_001367561.1(DOCK7):c.3031T>C (p.Phe1011Leu)

Gene: DOCK7 (dedicator of cytokinesis 7; minus strand). Cytogenetic location: 1p31.3.
Variant type: single nucleotide variant.
Coding change: c.3031T>C on transcript NM_001367561.1 (MANE Select); coding-DNA position 3031, T replaced by C.
Protein change: p.Phe1011Leu; replaces phenylalanine 1011 with leucine.
Molecular consequence: missense variant.
Genome position (GRCh38, 1-based): chr1:62,542,622, A>G on the plus strand (T>C on the coding strand, the complement: DOCK7 is on the minus strand). VCF-style: chr1-62542622-A-G. GRCh37 (hg19) VCF-style: chr1-63008293-A-G.
Other names: c.3031T>C, p.Phe1011Leu (NM_001271999.2, NM_001330614.2); c.2938T>C, p.Phe980Leu (NM_001272000.2, NM_001272001.2, NM_033407.4); short protein forms F980L, F1011L.
Identifiers: ClinVar variation 565902 (VCV000565902.8), dbSNP rs770299891, ClinGen allele CA886099.

ClinVar aggregate classification (germline): Uncertain significance. Review status: criteria provided, multiple submitters, no conflicts (2 of 4 stars). 2 submissions from 2 submitters: Uncertain significance (2). Last evaluated 2024-10-22.

Conditions:
Developmental and epileptic encephalopathy, 23 (DEE23). Also called: Epileptic encephalopathy, early infantile, 23. Identifiers: Orphanet 411986, MedGen C4014492, MONDO:0014371, OMIM 615859.

Allele frequency attached by ClinVar (database versions not stated): gnomAD exomes below 0.00001 and 0.00003; ExAC 0.00001; gnomAD 0.00001; TOPMed 0.00002.
gnomAD v4.1: 18 of 1,611,704 alleles (0.0011%); highest among the groups gnomAD compares: Non-Finnish European, 0.0014%; no homozygotes.

Submissions (2):

Labcorp Genetics (formerly Invitae), Labcorp
Classification: Uncertain significance for Developmental and epileptic encephalopathy, 23. Last evaluated: 2024-10-22. Review status: criteria provided, single submitter. Criteria: Invitae Variant Classification Sherloc (09022015). Collection method: clinical testing. Allele origin: germline.
Comment: This sequence change replaces phenylalanine, which is neutral and non-polar, with leucine, which is neutral and non-polar, at codon 1011 of the DOCK7 protein (p.Phe1011Leu). The frequency data for this variant in the population databases is considered unreliable, as metrics indicate poor data quality at this position in the gnomAD database. This variant has not been reported in the literature in individuals affected with DOCK7-related conditions. ClinVar contains an entry for this variant (Variation ID: 565902). Invitae Evidence Modeling of protein sequence and biophysical properties (such as structural, functional, and spatial information, amino acid conservation, physicochemical variation, residue mobility, and thermodynamic stability) indicates that this missense variant is not expected to disrupt DOCK7 protein function with a negative predictive value of 80%. In summary, the available evidence is currently insufficient to determine the role of this variant in disease. Therefore, it has been classified as a Variant of Uncertain Significance.

GeneDx
Classification: Uncertain significance. Last evaluated: 2024-02-08. Review status: criteria provided, single submitter. Criteria: GeneDx Variant Classification Process June 2021. Collection method: clinical testing. Allele origin: germline. Affected: yes.
Comment: Not observed at significant frequency in large population cohorts (gnomAD); In silico analysis supports that this missense variant has a deleterious effect on protein structure/function; Has not been previously published as pathogenic or benign to our knowledge